The following is an entry in ClinVar:

NM_001039213.4(CEACAM16):c.1249G>C (p.Val417Leu)

Genes: CEACAM16 (CEA cell adhesion molecule 16, tectorial membrane component; plus strand), CEACAM16-AS1 (CEACAM16, CEACAM19 and PVR antisense RNA 1; minus strand). Cytogenetic location: 19q13.32.
Variant type: single nucleotide variant.
Coding change: c.1249G>C on transcript NM_001039213.4 (MANE Select); coding-DNA position 1249, G replaced by C.
Protein change: p.Val417Leu; replaces valine 417 with leucine.
Molecular consequence: missense variant.
Genome position (GRCh38, 1-based): chr19:44,708,169, G>C. VCF-style: chr19-44708169-G-C. GRCh37 (hg19) VCF-style: chr19-45211441-G-C.
Other names: short protein forms V417L.
Identifiers: ClinVar variation 227240 (VCV000227240.11), dbSNP rs199597608, ClinGen allele CA9503264.

ClinVar aggregate classification (germline): Benign/Likely benign. Review status: criteria provided, multiple submitters, no conflicts (2 of 4 stars). 4 submissions from 4 submitters: Benign (1); Likely benign (3). Last evaluated 2025-03-31.

Allele frequency attached by ClinVar (database versions not stated): TOPMed 0.00029; ESP Exome Variant Server 0.00071.
gnomAD v4.1: 497 of 1,576,434 alleles (0.032%); highest among the groups gnomAD compares: Admixed American, 0.0069%; 1 homozygote.

Submissions (4):

Labcorp Genetics (formerly Invitae), Labcorp
Classification: Benign. Last evaluated: 2025-03-31. Review status: criteria provided, single submitter. Criteria: Invitae Variant Classification Sherloc (09022015). Collection method: clinical testing. Allele origin: germline.

Blueprint Genetics
Classification: Likely benign. Last evaluated: 2024-11-22. Review status: criteria provided, single submitter. Criteria: ACMG Guidelines, 2015. Collection method: clinical testing. Allele origin: germline.

GeneDx
Classification: Likely benign. Last evaluated: 2019-09-27. Review status: criteria provided, single submitter. Criteria: GeneDx Variant Classification Process June 2021. Collection method: clinical testing. Allele origin: germline. Affected: yes.

Laboratory for Molecular Medicine, Mass General Brigham Personalized Medicine
Classification: Likely benign. Last evaluated: 2016-01-29. Review status: criteria provided, single submitter. Criteria: LMM Criteria. Collection method: clinical testing. Allele origin: germline. Observed: 1 variant allele.
Comment: p.Val417Leu in exon 6 of CEACAM16: This variant is not expected to have clinica l significance due to a lack of conservation across species, including mammals. Of note, 9 mammals have a leucine (Leu) at this position despite high nearby ami no acid conservation. In addition, computational prediction tools do not suggest a high likelihood of impact to the protein. It has been identified in 0.1% (45/ 34408) of European chromosomes by the Exome Aggregation Consortium (ExAC; dbSNP rs199597608).